The following is an entry in ClinVar:

ClinVar aggregate classification (germline): Uncertain significance (1 of 4 stars; one submission).

Conditions:
Neurodevelopmental disorder with hypotonia and brain abnormalities. Identifiers: MedGen C5561977, MONDO:0859187, OMIM 619512.

Submission:

MVZ Medizinische Genetik Mainz
Classification: Uncertain significance for Neurodevelopmental disorder with hypotonia and brain abnormalities. Last evaluated: 2023-07-05. Review status: criteria provided, single submitter. Criteria: UK Practice Guidelines For Variant Classification V4 01 2020. Collection method: clinical testing. Allele origin: germline. Inheritance: Autosomal dominant inheritance. Affected: yes. Observed: 1 variant allele.
Comment: ACMG Criteria: PP3_STR,PM2_SUP

NM_001829.4(CLCN3):c.866C>A (p.Ala289Asp)

Gene: CLCN3 (chloride voltage-gated channel 3; plus strand). Cytogenetic location: 4q33.
Variant type: single nucleotide variant.
Coding change: c.866C>A on transcript NM_001829.4 (MANE Select); coding-DNA position 866, C replaced by A.
Protein change: p.Ala289Asp; replaces alanine 289 with aspartic acid.
Molecular consequence: missense variant.
Genome position (GRCh38, 1-based): chr4:169,692,250, C>A. VCF-style: chr4-169692250-C-A. GRCh37 (hg19) VCF-style: chr4-170613401-C-A.
Other names: c.866C>A, p.Ala289Asp (NM_001243372.2, NM_173872.4); c.785C>A, p.Ala262Asp (NM_001243374.2); short protein forms A262D, A289D.
Identifiers: ClinVar variation 3066106 (VCV003066106.1), dbSNP rs775791470, ClinGen allele CA358737950.